The following is an entry in ClinVar:

ClinVar aggregate classification (germline): Likely benign. Review status: criteria provided, multiple submitters, no conflicts (2 of 4 stars). 3 submissions from 3 submitters: Likely benign (2). 1 of the submissions does not count toward it. Last evaluated 2025-12-17.

Conditions:
Charcot-Marie-Tooth disease type 2E (CMT2E). Also called: CHARCOT-MARIE-TOOTH DISEASE, AXONAL, TYPE 2E; CHARCOT-MARIE-TOOTH NEUROPATHY, TYPE 2E. Identifiers: Orphanet 99939, MedGen C1843225, MONDO:0011894, OMIM 607684.

Allele frequency attached by ClinVar (database versions not stated): ExAC 0.00021; gnomAD exomes 0.00025 and 0.00019; 1000 Genomes Project 30x 0.00031; gnomAD 0.00006 and 0.00011; TOPMed 0.00013; 1000 Genomes Project 0.00020.

Submissions (3):

Labcorp Genetics (formerly Invitae), Labcorp
Classification: Likely benign for Charcot-Marie-Tooth disease type 2E. Last evaluated: 2025-12-17. Review status: criteria provided, single submitter. Criteria: Invitae Variant Classification Sherloc (09022015). Collection method: clinical testing. Allele origin: germline.

GeneDx
Classification: Likely benign. Last evaluated: 2016-07-05. Review status: criteria provided, single submitter. Criteria: GeneDx Variant Classification (06012015). Collection method: clinical testing. Allele origin: germline. Affected: yes.
Comment: This variant is considered likely benign or benign based on one or more of the following criteria: it is a conservative change, it occurs at a poorly conserved position in the protein, it is predicted to be benign by multiple in silico algorithms, and/or has population frequency not consistent with disease.

Epithelial Biology;  Institute of Medical Biology, Singapore
No classification provided. Review status: no classification provided. Collection method: not provided. Allele origin: not provided. Not counted in ClinVar's aggregate classification.

NM_006158.5(NEFL):c.1590T>G (p.Val530=)

Gene: NEFL (neurofilament light chain; minus strand). Cytogenetic location: 8p21.2.
Variant type: single nucleotide variant.
Coding change: c.1590T>G on transcript NM_006158.5 (MANE Select); coding-DNA position 1590, T replaced by G.
Protein change: p.Val530=; no amino-acid change (valine 530 retained).
Molecular consequence: synonymous variant.
Genome position (GRCh38, 1-based): chr8:24,952,852, A>C on the plus strand (T>G on the coding strand, the complement: NEFL is on the minus strand). VCF-style: chr8-24952852-A-C. GRCh37 (hg19) VCF-style: chr8-24810365-A-C.
Identifiers: ClinVar variation 66682 (VCV000066682.9), dbSNP rs267607679, ClinGen allele CA217517.